The following is an entry in ClinVar:

NM_005422.4(TECTA):c.-1-12T>C

Genes: TBCEL-TECTA (TBCEL-TECTA readthrough; plus strand), TECTA (tectorin alpha; plus strand). Cytogenetic location: 11q23.3.
Variant type: single nucleotide variant.
Coding change: c.-1-12T>C on transcript NM_005422.4 (MANE Select); 12 bases into the intron before 1 bases upstream of the start codon, T replaced by C.
Molecular consequence: intron variant.
Genome position (GRCh38, 1-based): chr11:121,102,653, T>C. VCF-style: chr11-121102653-T-C. GRCh37 (hg19) VCF-style: chr11-120973362-T-C.
Other names: c.957-12T>C (NM_001378761.1).
Identifiers: ClinVar variation 227093 (VCV000227093.12), dbSNP rs145916279, ClinGen allele CA6326388.

ClinVar aggregate classification (germline): Benign/Likely benign. Review status: criteria provided, multiple submitters, no conflicts (2 of 4 stars). 3 submissions from 3 submitters: Benign (2); Likely benign (1). Last evaluated 2020-06-25.

Allele frequency attached by ClinVar (database versions not stated): 1000 Genomes Project 0.00100; 1000 Genomes Project 30x 0.00141; TOPMed 0.00342; gnomAD 0.00344 and 0.00352; ESP Exome Variant Server 0.00377; gnomAD exomes 0.00399 and 0.00507; ExAC 0.00408.
gnomAD v4.1: 7,888 of 1,610,968 alleles (0.49%); highest among the groups gnomAD compares: Middle Eastern, 0.69%; 33 homozygotes.

Submissions (3):

GeneDx
Classification: Likely benign. Last evaluated: 2020-06-25. Review status: criteria provided, single submitter. Criteria: GeneDx Variant Classification Process June 2021. Collection method: clinical testing. Allele origin: germline. Affected: yes.

Laboratory for Molecular Medicine, Mass General Brigham Personalized Medicine
Classification: Benign. Last evaluated: 2012-04-30. Review status: criteria provided, single submitter. Criteria: LMM Criteria. Collection method: clinical testing. Allele origin: germline. Observed: 6 variant alleles.
Comment: -13T>C in Promoter of TECTA: This variant is not expected to have clinical signi ficance because it has been identified in 0.6% (40/7020) of European American ch romosomes from a broad population by the NHLBI Exome Sequencing Project (

PreventionGenetics, part of Exact Sciences
Classification: Benign. Review status: criteria provided, single submitter. Criteria: ACMG Guidelines, 2015. Collection method: clinical testing. Allele origin: germline.